The following is an entry in ClinVar:

ClinVar aggregate classification (germline): Uncertain significance. Review status: criteria provided, multiple submitters, no conflicts (2 of 4 stars). 4 submissions from 4 submitters: Uncertain significance (4). Last evaluated 2022-09-14.

Conditions:
Inborn genetic diseases. Identifiers: MedGen C0950123, MeSH D030342.
Chédiak-Higashi syndrome (CHS). Also called: Chediak-Higashi Syndrome. Identifiers: Orphanet 167, MedGen C0007965, MONDO:0008963, OMIM 214500.

Allele frequency attached by ClinVar (database versions not stated): gnomAD 0.00001; TOPMed 0.00001; ExAC 0.00002; ESP Exome Variant Server 0.00015.
gnomAD v4.1: 40 of 1,614,080 alleles (0.0025%); highest among the groups gnomAD compares: Non-Finnish European, 0.003%; no homozygotes.

Submissions (4):

Ambry Genetics
Classification: Uncertain significance for Inborn genetic diseases. Last evaluated: 2022-09-14. Review status: criteria provided, single submitter. Criteria: Ambry Variant Classification Scheme 2023. Collection method: clinical testing. Allele origin: germline.

Labcorp Genetics (formerly Invitae), Labcorp
Classification: Uncertain significance for Chédiak-Higashi syndrome. Last evaluated: 2022-06-09. Review status: criteria provided, single submitter. Criteria: Invitae Variant Classification Sherloc (09022015). Collection method: clinical testing. Allele origin: germline.
Comment: This sequence change replaces alanine, which is neutral and non-polar, with proline, which is neutral and non-polar, at codon 2258 of the LYST protein (p.Ala2258Pro). This variant is present in population databases (rs373212564, gnomAD 0.004%). This variant has not been reported in the literature in individuals affected with LYST-related conditions. ClinVar contains an entry for this variant (Variation ID: 296383). Algorithms developed to predict the effect of missense changes on protein structure and function output the following: SIFT: "Tolerated"; PolyPhen-2: "Benign"; Align-GVGD: "Class C0". The proline amino acid residue is found in multiple mammalian species, which suggests that this missense change does not adversely affect protein function. In summary, the available evidence is currently insufficient to determine the role of this variant in disease. Therefore, it has been classified as a Variant of Uncertain Significance.

Revvity Omics, Revvity
Classification: Uncertain significance for Chédiak-Higashi syndrome. Last evaluated: 2019-07-10. Review status: criteria provided, single submitter. Criteria: ACMG Guidelines, 2015. Collection method: clinical testing. Allele origin: germline.

Illumina Laboratory Services, Illumina
Classification: Uncertain significance for Chédiak-Higashi syndrome. Last evaluated: 2018-01-13. Review status: criteria provided, single submitter. Criteria: ICSL Variant Classification Criteria 13 December 2019. Collection method: clinical testing. Allele origin: germline.

NM_000081.4(LYST):c.6772G>C (p.Ala2258Pro)

Gene: LYST (lysosomal trafficking regulator; minus strand). Cytogenetic location: 1q42.3.
Variant type: single nucleotide variant.
Coding change: c.6772G>C on transcript NM_000081.4 (MANE Select); coding-DNA position 6772, G replaced by C.
Protein change: p.Ala2258Pro; replaces alanine 2258 with proline.
Molecular consequence: missense variant.
Genome position (GRCh38, 1-based): chr1:235,759,081, C>G on the plus strand (G>C on the coding strand, the complement: LYST is on the minus strand). VCF-style: chr1-235759081-C-G. GRCh37 (hg19) VCF-style: chr1-235922381-C-G.
Other names: c.6772G>C (NM_000081.2); c.6772G>C, p.Ala2258Pro (NM_001301365.1); short protein forms A2258P.
Identifiers: ClinVar variation 296383 (VCV000296383.9), dbSNP rs373212564, ClinGen allele CA1466317.